The following is an entry in ClinVar:

ClinVar aggregate classification (germline): Pathogenic (1 of 4 stars; one submission).

Conditions:
Severe intellectual disability-progressive spastic diplegia syndrome (NEDSDV). Also called: NEURODEVELOPMENTAL DISORDER WITH SPASTIC DIPLEGIA AND VISUAL DEFECTS; CTNNB1 Neurodevelopmental Disorder. Identifiers: Orphanet 404473, MedGen C3554449, MONDO:0014035, OMIM 615075.

Submission:

3billion
Classification: Pathogenic for Severe intellectual disability-progressive spastic diplegia syndrome. Last evaluated: 2021-10-02. Review status: criteria provided, single submitter. Criteria: ACMG Guidelines, 2015. Collection method: clinical testing. Allele origin: unknown. Affected: yes. Observed: 1 heterozygote.
Comment: Frameshift: predicted to result in a loss or disruption of normal protein function through nonsense-mediated decay (NMD) or protein truncation. Multiple pathogenic variants are reported downstream of the variant (PVS1_VS). The variant was observed as assumed (i.e. paternity and maternity not confirmed) de novoo (3billion dataset, PM6). It is not observed in the gnomAD v2.1.1 dataset (PM2). Therefore, this variant is classified as pathogenic according to the recommendation of ACMG/AMP guideline.

NM_001904.4(CTNNB1):c.2008dup (p.Tyr670fs)

Gene: CTNNB1 (catenin beta 1; plus strand). Cytogenetic location: 3p22.1.
Variant type: Duplication.
Coding change: c.2008dup on transcript NM_001904.4 (MANE Select); coding-DNA position 2008, one base duplicated (T; older notation c.2008dupT).
Protein change: p.Tyr670fs; shifts the reading frame from tyrosine 670.
Molecular consequence: frameshift variant.
Genome position (GRCh38, 1-based): chr3:41,236,641, T duplicated; the last of 2 consecutive T bases (chr3:41,236,640-41,236,641); duplicating either gives the same sequence. VCF-style (leftmost placement, unchanged base first): chr3-41236639-A-AT. GRCh37 (hg19) VCF-style: chr3-41278130-A-AT.
Other names: c.2008dup, p.Tyr670fs (NM_001098209.2, NM_001098210.2); c.1987dup, p.Tyr663fs (NM_001330729.2); short protein forms Y663fs, Y670fs.
Identifiers: ClinVar variation 1320247 (VCV001320247.1), dbSNP rs2125647138, ClinGen allele CA2573052167.